The following is an entry in ClinVar:

ClinVar aggregate classification (germline): Conflicting classifications of pathogenicity. Review status: criteria provided, conflicting classifications (1 of 4 stars). 6 submissions from 6 submitters: Uncertain significance (3); Likely benign (3). Last evaluated 2026-01-26.

Conditions:
Meier-Gorlin syndrome 1 (MGORS1). Also called: EAR, PATELLA, SHORT STATURE SYNDROME. Identifiers: Orphanet 2554, MedGen C4552001, MONDO:0009143, OMIM 224690.

Allele frequency attached by ClinVar (database versions not stated): gnomAD exomes 0.00005 and 0.00013; ExAC 0.00016; ESP Exome Variant Server 0.00054; gnomAD 0.00054 and 0.00056; TOPMed 0.00063; 1000 Genomes Project 0.00080; 1000 Genomes Project 30x 0.00094.
gnomAD v4.1: 155 of 1,605,516 alleles (0.0097%); highest among the groups gnomAD compares: African/African-American, 0.19%; no homozygotes.

Submissions (6):

Labcorp Genetics (formerly Invitae), Labcorp
Classification: Likely benign. Last evaluated: 2026-01-26. Review status: criteria provided, single submitter. Criteria: Invitae Variant Classification Sherloc (09022015). Collection method: clinical testing. Allele origin: germline.

CeGaT Center for Human Genetics Tuebingen
Classification: Likely benign. Last evaluated: 2025-11-01. Review status: criteria provided, single submitter. Criteria: CeGaT Center For Human Genetics Tuebingen Variant Classification Criteria Version 2. Collection method: clinical testing. Allele origin: germline. Affected: yes. Observed: 1 variant allele.
Comment: ORC1: BP4, BP7

Blueprint Genetics
Classification: Uncertain significance. Last evaluated: 2024-09-23. Review status: criteria provided, single submitter. Criteria: ACMG Guidelines, 2015. Collection method: clinical testing. Allele origin: germline.

Women's Health and Genetics/Laboratory Corporation of America, LabCorp
Classification: Uncertain significance. Last evaluated: 2024-02-27. Review status: criteria provided, single submitter. Criteria: LabCorp Variant Classification Summary - May 2015. Collection method: clinical testing. Allele origin: germline.
Comment: Variant summary: ORC1 c.1581A>G (p.Gly527Gly) alters a conserved nucleotide located close to a canonical splice site and therefore could affect mRNA splicing, leading to a significantly altered protein sequence. Consensus agreement among computation tools predict no significant impact on normal splicing. However, these predictions have yet to be confirmed by functional studies. The variant allele was found at a frequency of 0.00013 in 251474 control chromosomes, predominantly at a frequency of 0.0018 within the African or African-American subpopulation in the gnomAD database. To our knowledge, no occurrence of c.1581A>G in individuals affected with Meier-Gorlin Syndrome 1 and no experimental evidence demonstrating its impact on protein function have been reported. ClinVar contains an entry for this variant (Variation ID: 129852). Based on the evidence outlined above, the variant was classified as uncertain significance.

Illumina Laboratory Services, Illumina
Classification: Uncertain significance for Meier-Gorlin syndrome 1. Last evaluated: 2018-12-03. Review status: criteria provided, single submitter. Criteria: ICSLVariantClassificationCriteria RUGD 01 April 2020. Collection method: clinical testing. Allele origin: unknown.
Comment: The ORC1 c.1581A>G p.(Gly527=) variant occurs in a splice region. To our knowledge, this variant has not been reported in the peer-reviewed literature. The variant is reported at a frequency of 0.001938 in the African/African American population of the Genome Aggregation Database (version 4.0.0). Based on the limited evidence, the c.1581A>G p.(Gly527=) variant is classified as a variant of uncertain significance for Meier-Gorlin syndrome.

Genetic Services Laboratory, University of Chicago
Classification: Likely benign. Last evaluated: 2016-04-14. Review status: criteria provided, single submitter. Criteria: ACMG Guidelines, 2015. Collection method: clinical testing. Allele origin: germline. Affected: no.

NM_004153.4(ORC1):c.1581A>G (p.Gly527=)

Gene: ORC1 (origin recognition complex subunit 1; minus strand). Cytogenetic location: 1p32.3.
Variant type: single nucleotide variant.
Coding change: c.1581A>G on transcript NM_004153.4 (MANE Select); coding-DNA position 1581, A replaced by G.
Protein change: p.Gly527=; no amino-acid change (glycine 527 retained).
Molecular consequence: synonymous variant.
Genome position (GRCh38, 1-based): chr1:52,385,163, T>C on the plus strand (A>G on the coding strand, the complement: ORC1 is on the minus strand). VCF-style: chr1-52385163-T-C. GRCh37 (hg19) VCF-style: chr1-52850835-T-C.
Other names: c.1581A>G, p.Gly527= (NM_001190818.2); c.1566A>G, p.Gly522= (NM_001190819.2).
Identifiers: ClinVar variation 129852 (VCV000129852.24), dbSNP rs141066689, ClinGen allele CA231358.